The following is an entry in ClinVar:

ClinVar aggregate classification (germline): Pathogenic (1 of 4 stars; one submission).

Submission:

Quest Diagnostics Nichols Institute San Juan Capistrano
Classification: Pathogenic. Last evaluated: 2023-01-18. Review status: criteria provided, single submitter. Criteria: ACMG/ClinGen CNV Guidelines, 2019. Collection method: clinical testing. Allele origin: unknown.
Comment: This loss is consistent with chromosome 2q37 deletion syndrome (OMIM 600430). Patients with chromosome 2q37 deletion syndrome show highly variable clinical manifestations (Aldred et al 2004 J. Med. Genet. 41: 433-439. PMID: 15173228; Williams et al. Am J Hum Genet. 2010. Aug 13;87(2):219-28 PMID: 20691407; Fisch et al. Am J Med Genet A. 2016 Sep; 170(9):2282-91. PMID: 27282419; Gavril et al., Genes (Basel). 2023 Feb 11;14(2):465. PMID: 36833393; Le et al., Am J Med Genet A. 2019 May;179(5):782-791. PMID: 30848064; Doherty and Lacbawan. GeneReviews: 2q37 Microdeletion Syndrome. Based on gene content and current medical literature, this copy number variant (CNV) is classified as pathogenic.

GRCh37/hg19 2q37.3(chr2:238460671-242783384)x1

Genes: AGXT (alanine--glyoxylate aminotransferase; plus strand), ANKMY1 (ankyrin repeat and MYND domain containing 1; minus strand), ANO7 (anoctamin 7; plus strand), AQP12A (aquaporin 12A; plus strand), AQP12B (aquaporin 12B; minus strand) and 48 more. Cytogenetic location: 2q37.3.
Variant type: copy number loss.
Change: copy number 1 (one copy instead of two) of chr2:238,460,671-242,783,384 (4.32 Mb, GRCh37 coordinates, 1-based), cytogenetic band 2q37.3.
Identifiers: ClinVar variation 2684986 (VCV002684986.1).